The following is an entry in ClinVar:

ClinVar aggregate classification (germline): Conflicting classifications of pathogenicity. Review status: criteria provided, conflicting classifications (1 of 4 stars). 2 submissions from 2 submitters: Uncertain significance (1); Likely benign (1). Last evaluated 2025-04-01.

Allele frequency attached by ClinVar (database versions not stated): ExAC 0.00004; gnomAD exomes 0.00004; TOPMed 0.00006; gnomAD 0.00011 and 0.00012.
gnomAD v4.1: 154 of 1,613,878 alleles (0.0095%); highest among the groups gnomAD compares: Non-Finnish European, 0.012%; no homozygotes.

Submissions (2):

CeGaT Center for Human Genetics Tuebingen
Classification: Uncertain significance. Last evaluated: 2025-04-01. Review status: criteria provided, single submitter. Criteria: CeGaT Center For Human Genetics Tuebingen Variant Classification Criteria Version 2. Collection method: clinical testing. Allele origin: germline. Affected: yes. Observed: 1 variant allele.
Comment: CEP152: PM2, BP4

Labcorp Genetics (formerly Invitae), Labcorp
Classification: Likely benign. Last evaluated: 2024-12-16. Review status: criteria provided, single submitter. Criteria: Invitae Variant Classification Sherloc (09022015). Collection method: clinical testing. Allele origin: germline.

NM_001194998.2(CEP152):c.3466+7G>C

Gene: CEP152 (centrosomal protein 152; minus strand). Cytogenetic location: 15q21.1.
Variant type: single nucleotide variant.
Coding change: c.3466+7G>C on transcript NM_001194998.2 (MANE Select); 7 bases into the intron after coding-DNA position 3466, G replaced by C.
Molecular consequence: intron variant.
Genome position (GRCh38, 1-based): chr15:48,752,342, C>G on the plus strand (G>C on the coding strand, the complement: CEP152 is on the minus strand). VCF-style: chr15-48752342-C-G. GRCh37 (hg19) VCF-style: chr15-49044539-C-G.
Other names: c.3466+7G>C (NM_014985.4).
Identifiers: ClinVar variation 1566205 (VCV001566205.15), dbSNP rs770450065, ClinGen allele CA7548342.